The following is an entry in ClinVar:

NM_005138.3(SCO2):c.601G>C (p.Ala201Pro)

Genes: NCAPH2 (non-SMC condensin II complex subunit H2; plus strand), SCO2 (synthesis of cytochrome C oxidase 2; minus strand). Cytogenetic location: 22q13.33.
Variant type: single nucleotide variant.
Coding change: c.601G>C on transcript NM_005138.3 (MANE Select); coding-DNA position 601, G replaced by C.
Protein change: p.Ala201Pro; replaces alanine 201 with proline.
Molecular consequence: missense variant. On other transcripts: 3 prime UTR variant (2).
Genome position (GRCh38, 1-based): chr22:50,523,811, C>G on the plus strand (G>C on the coding strand, the complement: SCO2 is on the minus strand). VCF-style: chr22-50523811-C-G. GRCh37 (hg19) VCF-style: chr22-50962240-C-G.
Other names: c.*436C>G (NM_001185011.2, NM_152299.4); c.601G>C, p.Ala201Pro (NM_001169109.2, NM_001169110.1, NM_001169111.2); short protein forms A201P.
Identifiers: ClinVar variation 3902754 (VCV003902754.1).

ClinVar aggregate classification (germline): Uncertain significance (1 of 4 stars; one submission).

Submission:

Women's Health and Genetics/Laboratory Corporation of America, LabCorp
Classification: Uncertain significance. Last evaluated: 2025-05-22. Review status: criteria provided, single submitter. Criteria: LabCorp Variant Classification Summary - May 2015. Collection method: clinical testing. Allele origin: germline.
Comment: Variant summary: SCO2 c.601G>C (p.Ala201Pro) results in a non-conservative amino acid change in the encoded protein sequence. Algorithms developed to predict the effect of missense changes on protein structure and function all suggest that this variant is likely to be disruptive. The variant was absent in 251392 control chromosomes (gnomAD). The available data on variant occurrences in the general population are insufficient to allow any conclusion about variant significance. c.601G>C has been observed in at least one heterozygous individual affected with high myopia (Cai_2019, Liu_2021). These data do not allow any conclusion about variant significance. To our knowledge, no experimental evidence demonstrating an impact on protein function has been reported. The following publications have been ascertained in the context of this evaluation (PMID: 31560770, 34222226). No submitters have cited clinical-significance assessments for this variant to ClinVar. Based on the evidence outlined above, the variant was classified as uncertain significance.

Literature cited by the submitters: PubMed 34222226; PubMed 31560770.